The following is an entry in ClinVar:

NM_000553.6(WRN):c.2274T>C (p.Ser758=)

Gene: WRN (WRN RecQ like helicase; plus strand). Cytogenetic location: 8p12.
Variant type: single nucleotide variant.
Coding change: c.2274T>C on transcript NM_000553.6 (MANE Select); coding-DNA position 2274, T replaced by C.
Protein change: p.Ser758=; no amino-acid change (serine 758 retained).
Molecular consequence: synonymous variant.
Genome position (GRCh38, 1-based): chr8:31,116,354, T>C. VCF-style: chr8-31116354-T-C. GRCh37 (hg19) VCF-style: chr8-30973870-T-C.
Identifiers: ClinVar variation 1009421 (VCV001009421.5), dbSNP rs1801515941, ClinGen allele CA460217696.

ClinVar aggregate classification (germline): Uncertain significance (1 of 4 stars; one submission).

Conditions:
Werner syndrome (WRN). Identifiers: Orphanet 902, MedGen C0043119, MONDO:0010196, OMIM 277700.

Submission:

Labcorp Genetics (formerly Invitae), Labcorp
Classification: Uncertain significance for Werner syndrome. Last evaluated: 2020-04-20. Review status: criteria provided, single submitter. Criteria: Invitae Variant Classification Sherloc (09022015). Collection method: clinical testing. Allele origin: germline.
Comment: This sequence change affects codon 758 of the WRN mRNA. It is a 'silent' change, meaning that it does not change the encoded amino acid sequence of the WRN protein. This variant is not present in population databases (ExAC no frequency). This variant has not been reported in the literature in individuals with WRN-related conditions. Algorithms developed to predict the effect of sequence changes on RNA splicing suggest that this variant is not likely to affect RNA splicing, but this prediction has not been confirmed by published transcriptional studies. In summary, the available evidence is currently insufficient to determine the role of this variant in disease. Therefore, it has been classified as a Variant of Uncertain Significance.